The following is an entry in ClinVar:

ClinVar aggregate classification (germline): Uncertain significance (1 of 4 stars; one submission).

Conditions:
Malignant hyperthermia, susceptibility to, 1 (MHS1). Also called: Anesthesia related hyperthermia; Malignant hyperpyrexia; Fulminating hyperpyrexia; Pharmacogenic myopathy; Malignant hyperthermia suceptibility 1; RYR1-Related Malignant Hyperthermia Susceptibility. Identifiers: Orphanet 423, MedGen C2930980, MONDO:0007783, OMIM 145600.

gnomAD v4.1: 10 of 1,614,084 alleles (0.00062%); highest among the groups gnomAD compares: East Asian, 0.0067%; no homozygotes.

Submission:

All of Us Research Program, National Institutes of Health
Classification: Uncertain significance for Malignant hyperthermia, susceptibility to, 1. Last evaluated: 2024-05-30. Review status: criteria provided, single submitter. Criteria: ACMG Guidelines, 2015. Collection method: clinical testing. Allele origin: germline. Inheritance: Autosomal dominant inheritance. Observed: 2 variant alleles, 2 heterozygotes.
Comment: This missense variant replaces alanine with threonine at codon 3342 of the RYR1 protein. Computational prediction suggests that this variant may not impact protein structure and function. To our knowledge, functional studies have not been reported for this variant. This variant has not been reported in individuals affected with RYR1-related disorders in the literature. This variant has been identified in 5/250618 chromosomes in the general population by the Genome Aggregation Database (gnomAD). The available evidence is insufficient to determine the role of this variant in disease conclusively. Therefore, this variant is classified as a Variant of Uncertain Significance.

This study involves interpretation of variants in research participants for the purpose of population health screening. Participant phenotype was not available at the time of variant classification. Additional details can be found in publication PMID: 35346344, PMCID: PMC8962531

NM_000540.3(RYR1):c.10024G>A (p.Ala3342Thr)

Gene: RYR1 (ryanodine receptor 1; plus strand). Cytogenetic location: 19q13.2.
Variant type: single nucleotide variant.
Coding change: c.10024G>A on transcript NM_000540.3 (MANE Select); coding-DNA position 10024, G replaced by A.
Protein change: p.Ala3342Thr; replaces alanine 3342 with threonine.
Molecular consequence: missense variant.
Genome position (GRCh38, 1-based): chr19:38,519,219, G>A. VCF-style: chr19-38519219-G-A. GRCh37 (hg19) VCF-style: chr19-39009859-G-A.
Other names: c.10024G>A, p.Ala3342Thr (NM_001042723.2); short protein forms A3342T.
Identifiers: ClinVar variation 3385520 (VCV003385520.1).